The following is an entry in ClinVar:

NM_032043.3(BRIP1):c.3238G>A (p.Asp1080Asn)

Gene: BRIP1 (BRCA1 interacting DNA helicase 1; minus strand). Cytogenetic location: 17q23.2.
Variant type: single nucleotide variant.
Coding change: c.3238G>A on transcript NM_032043.3 (MANE Select); coding-DNA position 3238, G replaced by A.
Protein change: p.Asp1080Asn; replaces aspartic acid 1080 with asparagine.
Molecular consequence: missense variant.
Genome position (GRCh38, 1-based): chr17:61,683,808, C>T on the plus strand (G>A on the coding strand, the complement: BRIP1 is on the minus strand). VCF-style: chr17-61683808-C-T. GRCh37 (hg19) VCF-style: chr17-59761169-C-T.
Other names: short protein forms D1080N.
Identifiers: ClinVar variation 188346 (VCV000188346.15), dbSNP rs786204230, ClinGen allele CA334673.

ClinVar aggregate classification (germline): Uncertain significance. Review status: criteria provided, multiple submitters, no conflicts (2 of 4 stars). 4 submissions from 4 submitters: Uncertain significance (4). Last evaluated 2025-03-16.

Conditions:
Hereditary cancer-predisposing syndrome. Also called: Hereditary Cancer Syndrome; Neoplastic Syndromes, Hereditary; Tumor predisposition; Hereditary neoplastic syndrome. Identifiers: Orphanet 140162, MedGen C0027672, MeSH D009386, MONDO:0015356.
Familial cancer of breast. Also called: BREAST CANCER, FAMILIAL; Hereditary breast cancer; hereditary breast carcinoma. Identifiers: Orphanet 227535, MedGen C0346153, MONDO:0016419, OMIM 114480. Disease mechanism: loss of function.
Fanconi anemia complementation group J. Also called: BRIP1-Related Fanconi Anemia. Identifiers: Orphanet 84, MedGen C1836860, MONDO:0012187, OMIM 609054.

Allele frequency attached by ClinVar (database versions not stated): gnomAD exomes below 0.00001 and 0.00001.
gnomAD v4.1: 2 of 1,614,134 alleles (0.00012%); highest among the groups gnomAD compares: Non-Finnish European, 0.00017%; no homozygotes.

Submissions (4):

Labcorp Genetics (formerly Invitae), Labcorp
Classification: Uncertain significance for Familial cancer of breast; Fanconi anemia complementation group J. Last evaluated: 2025-03-16. Review status: criteria provided, single submitter. Criteria: Invitae Variant Classification Sherloc (09022015). Collection method: clinical testing. Allele origin: germline.
Comment: This sequence change replaces aspartic acid, which is acidic and polar, with asparagine, which is neutral and polar, at codon 1080 of the BRIP1 protein (p.Asp1080Asn). This variant is present in population databases (rs786204230, gnomAD 0.006%). This variant has not been reported in the literature in individuals affected with BRIP1-related conditions. ClinVar contains an entry for this variant (Variation ID: 188346). Invitae Evidence Modeling of protein sequence and biophysical properties (such as structural, functional, and spatial information, amino acid conservation, physicochemical variation, residue mobility, and thermodynamic stability) indicates that this missense variant is not expected to disrupt BRIP1 protein function with a negative predictive value of 95%. In summary, the available evidence is currently insufficient to determine the role of this variant in disease. Therefore, it has been classified as a Variant of Uncertain Significance.

Color Diagnostics, LLC DBA Color Health
Classification: Uncertain significance for Hereditary cancer-predisposing syndrome. Last evaluated: 2023-06-26. Review status: criteria provided, single submitter. Criteria: ACMG Guidelines, 2015. Collection method: clinical testing. Allele origin: germline.
Comment: This missense variant replaces aspartic acid with asparagine at codon 1080 of the BRIP1 protein. Computational prediction suggests that this variant may not impact protein structure and function (internally defined REVEL score threshold <= 0.5, PMID: 27666373). To our knowledge, functional studies have not been reported for this variant. This variant has not been reported in individuals affected with BRIP1-related disorders in the literature. This variant has been identified in 2/251244 chromosomes in the general population by the Genome Aggregation Database (gnomAD). The available evidence is insufficient to determine the role of this variant in disease conclusively. Therefore, this variant is classified as a Variant of Uncertain Significance.

Ambry Genetics
Classification: Uncertain significance for Hereditary cancer-predisposing syndrome. Last evaluated: 2022-08-16. Review status: criteria provided, single submitter. Criteria: Ambry Variant Classification Scheme 2023. Collection method: clinical testing. Allele origin: germline.
Comment: The p.D1080N variant (also known as c.3238G>A), located in coding exon 19 of the BRIP1 gene, results from a G to A substitution at nucleotide position 3238. The aspartic acid at codon 1080 is replaced by asparagine, an amino acid with highly similar properties. This amino acid position is conserved. In addition, this alteration is predicted to be tolerated by in silico analysis. Since supporting evidence is limited at this time, the clinical significance of this alteration remains unclear.

Fulgent Genetics
Classification: Uncertain significance for Familial cancer of breast; Fanconi anemia complementation group J. Last evaluated: 2021-08-11. Review status: criteria provided, single submitter. Criteria: ACMG Guidelines, 2015. Collection method: clinical testing. Allele origin: unknown.